The following is an entry in ClinVar:

ClinVar aggregate classification (germline): Uncertain significance (1 of 4 stars; one submission).

Conditions:
RPGRIP1L-related disorder. Also called: RPGRIP1L-related condition; RPGRIP1L-related disorders. Identifiers: MedGen CN239416.

gnomAD v4.1: 3 of 1,608,180 alleles (0.00019%); highest among the groups gnomAD compares: Non-Finnish European, 0.00017%; no homozygotes.

Submission:

PreventionGenetics, part of Exact Sciences
Classification: Uncertain significance for RPGRIP1L-related condition. Last evaluated: 2026-09-23. Review status: criteria provided, single submitter. Criteria: ACMG Guidelines, 2015. Collection method: clinical testing. Allele origin: germline.
Comment: The RPGRIP1L c.3616G>T variant is predicted to result in the amino acid substitution p.Val1206Leu. To our knowledge, this variant has not been reported in the literature or in a large population database (gnomAD), indicating this variant is rare. At this time, the clinical significance of this variant is uncertain due to the absence of conclusive functional and genetic evidence.

NM_015272.5(RPGRIP1L):c.3616G>T (p.Val1206Leu)

Gene: RPGRIP1L (RPGRIP1 like; minus strand). Cytogenetic location: 16q12.2.
Variant type: single nucleotide variant.
Coding change: c.3616G>T on transcript NM_015272.5 (MANE Select); coding-DNA position 3616, G replaced by T.
Protein change: p.Val1206Leu; replaces valine 1206 with leucine.
Molecular consequence: missense variant.
Genome position (GRCh38, 1-based): chr16:53,619,025, C>A on the plus strand (G>T on the coding strand, the complement: RPGRIP1L is on the minus strand). VCF-style: chr16-53619025-C-A. GRCh37 (hg19) VCF-style: chr16-53652937-C-A.
Other names: c.3376G>T, p.Val1126Leu (NM_001127897.4); c.3478G>T, p.Val1160Leu (NM_001308334.3); c.3514G>T, p.Val1172Leu (NM_001330538.2); short protein forms V1206L, V1126L, V1160L, V1172L.
Identifiers: ClinVar variation 4992161 (VCV004992161.1).